The following is an entry in ClinVar:

NM_022124.6(CDH23):c.8734G>A (p.Gly2912Ser)

Gene: CDH23 (cadherin related 23; plus strand). Cytogenetic location: 10q22.1.
Variant type: single nucleotide variant.
Coding change: c.8734G>A on transcript NM_022124.6 (MANE Select); coding-DNA position 8734, G replaced by A.
Protein change: p.Gly2912Ser; replaces glycine 2912 with serine.
Molecular consequence: missense variant.
Genome position (GRCh38, 1-based): chr10:71,809,831, G>A. VCF-style: chr10-71809831-G-A. GRCh37 (hg19) VCF-style: chr10-73569588-G-A.
Other names: c.2014G>A, p.Gly672Ser (NM_001171933.1, NM_001171934.1); short protein forms G672S, G2912S.
Identifiers: ClinVar variation 2136889 (VCV002136889.3), dbSNP rs1381655860, ClinGen allele CA377133032.

ClinVar aggregate classification (germline): Conflicting classifications of pathogenicity. Review status: criteria provided, conflicting classifications (1 of 4 stars). 3 submissions from 3 submitters: Likely pathogenic (1); Uncertain significance (2). Last evaluated 2026-04-30.

Conditions:
Autosomal recessive nonsyndromic hearing loss 12. Also called: DEAFNESS, AUTOSOMAL RECESSIVE 12. Identifiers: Orphanet 90636, MedGen C1832394, MONDO:0011067, OMIM 601386.

Allele frequency attached by ClinVar (database versions not stated): gnomAD exomes below 0.00001; gnomAD 0.00001.
gnomAD v4.1: 4 of 1,612,088 alleles (0.00025%); highest among the groups gnomAD compares: African/African-American, 0.0013%; no homozygotes.

Submissions (3):

Laboratory of Molecular, Cellular and Translation Genetics in Otolaryngology/ Lim32-hcfmusp, University of Sao Paulo School of Medicine Clinics Hospital
Classification: Likely pathogenic for Autosomal recessive nonsyndromic hearing loss 12. Last evaluated: 2026-04-30. Review status: criteria provided, single submitter. Criteria: ClinGen HL ACMG Specifications v1. Collection method: research. Allele origin: germline. Affected: yes.
Comment: NM_022124.6:c.8734G>A (p.Gly2912Ser). This variant has been classified as likely pathogenic. It is very rare in population databases (PM2_supporting), and in silico prediction tools support a deleterious effect on protein function (PP3_moderate). It has been reported in trans with other pathogenic CDH23 variants segregating with hearing loss (PM3_supporting). These findings support the causative role of this variant in hearing loss, most consistent with a nonsyndromic presentation.

Labcorp Genetics (formerly Invitae), Labcorp
Classification: Uncertain significance. Last evaluated: 2022-09-21. Review status: criteria provided, single submitter. Criteria: Invitae Variant Classification Sherloc (09022015). Collection method: clinical testing. Allele origin: germline.
Comment: This sequence change replaces glycine, which is neutral and non-polar, with serine, which is neutral and polar, at codon 2912 of the CDH23 protein (p.Gly2912Ser). The frequency data for this variant in the population databases is considered unreliable, as metrics indicate poor data quality at this position in the gnomAD database. This missense change has been observed in individual(s) with clinical features of CDH23-related conditions (PMID: 22899989). Advanced modeling of protein sequence and biophysical properties (such as structural, functional, and spatial information, amino acid conservation, physicochemical variation, residue mobility, and thermodynamic stability) has been performed at Invitae for this missense variant, however the output from this modeling did not meet the statistical confidence thresholds required to predict the impact of this variant on CDH23 protein function. In summary, the available evidence is currently insufficient to determine the role of this variant in disease. Therefore, it has been classified as a Variant of Uncertain Significance.

Blueprint Genetics
Classification: Uncertain significance. Last evaluated: 2021-09-27. Review status: criteria provided, single submitter. Criteria: ACMG Guidelines, 2015. Collection method: clinical testing. Allele origin: germline.

Literature cited by the submitters: PubMed 22899989 (cited by Laboratory of Molecular, Cellular and Translation Genetics in Otolaryngology/ Lim32-hcfmusp, University of Sao Paulo School of Medicine Clinics Hospital and Labcorp Genetics (formerly Invitae), Labcorp); PubMed 25963016 (cited by Laboratory of Molecular, Cellular and Translation Genetics in Otolaryngology/ Lim32-hcfmusp, University of Sao Paulo School of Medicine Clinics Hospital); PubMed 42233699 (cited by Laboratory of Molecular, Cellular and Translation Genetics in Otolaryngology/ Lim32-hcfmusp, University of Sao Paulo School of Medicine Clinics Hospital).